The following is an entry in ClinVar:

ClinVar aggregate classification (germline): Uncertain significance. Review status: criteria provided, multiple submitters, no conflicts (2 of 4 stars). 5 submissions from 5 submitters: Uncertain significance (5). Last evaluated 2026-06-01.

Conditions:
Retinitis pigmentosa 1 (RP1). Identifiers: Orphanet 791, MedGen C0220701, MONDO:0008377, OMIM 180100.
RP1-related disorder. Also called: RP1-related condition.
Inborn genetic diseases. Identifiers: MedGen C0950123, MeSH D030342.

Allele frequency attached by ClinVar (database versions not stated): TOPMed 0.00008; ESP Exome Variant Server 0.00015; gnomAD 0.00007; ExAC 0.00008; gnomAD exomes 0.00008.
gnomAD v4.1: 78 of 1,614,018 alleles (0.0048%); highest among the groups gnomAD compares: Non-Finnish European, 0.006%; no homozygotes.

Submissions (5):

PreventionGenetics, part of Exact Sciences
Classification: Uncertain significance for RP1-related condition. Last evaluated: 2026-06-01. Review status: criteria provided, single submitter. Criteria: ACMG Guidelines, 2015. Collection method: clinical testing. Allele origin: germline.
Comment: The RP1 c.1726G>A variant is predicted to result in the amino acid substitution p.Val576Met. To our knowledge, this variant has not been reported in the literature. This variant is reported in 0.016% of alleles in individuals of European (Non-Finnish) descent in gnomAD. At this time, the clinical significance of this variant is uncertain due to the absence of conclusive functional and genetic evidence.

Labcorp Genetics (formerly Invitae), Labcorp
Classification: Uncertain significance. Last evaluated: 2026-01-27. Review status: criteria provided, single submitter. Criteria: Invitae Variant Classification Sherloc (09022015). Collection method: clinical testing. Allele origin: germline.
Comment: This sequence change replaces valine, which is neutral and non-polar, with methionine, which is neutral and non-polar, at codon 576 of the RP1 protein (p.Val576Met). This variant is present in population databases (rs201008674, gnomAD 0.02%). This variant has not been reported in the literature in individuals affected with RP1-related conditions. ClinVar contains an entry for this variant (Variation ID: 961860). An algorithm developed to predict the effect of missense changes on protein structure and function outputs the following: PolyPhen-2: "Benign". The methionine amino acid residue is found in multiple mammalian species, which suggests that this missense change does not adversely affect protein function. In summary, the available evidence is currently insufficient to determine the role of this variant in disease. Therefore, it has been classified as a Variant of Uncertain Significance.

Ambry Genetics
Classification: Uncertain significance for Inborn genetic diseases. Last evaluated: 2025-01-18. Review status: criteria provided, single submitter. Criteria: Ambry Variant Classification Scheme 2023. Collection method: clinical testing. Allele origin: germline.

Blueprint Genetics
Classification: Uncertain significance. Last evaluated: 2024-10-31. Review status: criteria provided, single submitter. Criteria: ACMG Guidelines, 2015. Collection method: clinical testing. Allele origin: germline.

MGZ Medical Genetics Center
Classification: Uncertain significance for Retinitis pigmentosa 1. Last evaluated: 2022-06-20. Review status: criteria provided, single submitter. Criteria: ACMG Guidelines, 2015. Collection method: clinical testing. Allele origin: germline. Affected: yes. Observed: 1 variant allele.
Comment: ACMG criteria applied: PM2_SUP

NM_006269.2(RP1):c.1726G>A (p.Val576Met)

Gene: RP1 (RP1 axonemal microtubule associated; plus strand). Cytogenetic location: 8q12.1.
Variant type: single nucleotide variant.
Coding change: c.1726G>A on transcript NM_006269.2 (MANE Select); coding-DNA position 1726, G replaced by A.
Protein change: p.Val576Met; replaces valine 576 with methionine.
Molecular consequence: missense variant. On other transcripts: intron variant (1).
Genome position (GRCh38, 1-based): chr8:54,625,608, G>A. VCF-style: chr8-54625608-G-A. GRCh37 (hg19) VCF-style: chr8-55538168-G-A.
Other names: c.787+3320G>A (NM_001375654.1); short protein forms V576M.
Identifiers: ClinVar variation 961860 (VCV000961860.14), dbSNP rs201008674, ClinGen allele CA4751424.